The following is an entry in ClinVar:

NM_001382241.1(TNPO2):c.1070A>G (p.Asp357Gly)

Gene: TNPO2 (transportin 2; minus strand). Cytogenetic location: 19p13.13.
Variant type: single nucleotide variant.
Coding change: c.1070A>G on transcript NM_001382241.1 (MANE Select); coding-DNA position 1070, A replaced by G.
Protein change: p.Asp357Gly; replaces aspartic acid 357 with glycine.
Molecular consequence: missense variant. On other transcripts: non-coding transcript variant (5).
Genome position (GRCh38, 1-based): chr19:12,711,343, T>C on the plus strand (A>G on the coding strand, the complement: TNPO2 is on the minus strand). VCF-style: chr19-12711343-T-C. GRCh37 (hg19) VCF-style: chr19-12822157-T-C.
Other names: c.1070A>G, p.Asp357Gly (NM_001136195.2, NM_001136196.2, NM_001382236.1 and 7 more transcripts); short protein forms D357G.
Identifiers: ClinVar variation 2251810 (VCV002251810.3), dbSNP rs773671295, ClinGen allele CA9229167.

ClinVar aggregate classification (germline): Uncertain significance. Review status: criteria provided, multiple submitters, no conflicts (2 of 4 stars). 2 submissions from 2 submitters: Uncertain significance (2). Last evaluated 2025-09-12.

Conditions:
Inborn genetic diseases. Identifiers: MedGen C0950123, MeSH D030342.

Allele frequency attached by ClinVar (database versions not stated): ExAC 0.00002; gnomAD exomes 0.00001.
gnomAD v4.1: 9 of 1,614,008 alleles (0.00056%); highest among the groups gnomAD compares: African/African-American, 0.0013%; no homozygotes.

Submissions (2):

Women's Health and Genetics/Laboratory Corporation of America, LabCorp
Classification: Uncertain significance. Last evaluated: 2025-09-12. Review status: criteria provided, single submitter. Criteria: LabCorp Variant Classification Summary - May 2015. Collection method: clinical testing. Allele origin: germline.
Comment: Variant summary: TNPO2 c.1070A>G (p.Asp357Gly) results in a non-conservative amino acid change in the encoded protein sequence. Algorithms developed to predict the effect of missense changes on protein structure and function are either unavailable or do not agree on the potential impact of this missense change. The variant allele was found at a frequency of 8e-06 in 249442 control chromosomes. The available data on variant occurrences in the general population are insufficient to allow any conclusion about variant significance. To our knowledge, no occurrence of c.1070A>G in individuals affected with TNPO2-related conditions and no experimental evidence demonstrating its impact on protein function have been reported. ClinVar contains an entry for this variant (Variation ID: 2251810). Based on the evidence outlined above, the variant was classified as uncertain significance.

Ambry Genetics
Classification: Uncertain significance for Inborn genetic diseases. Last evaluated: 2021-09-17. Review status: criteria provided, single submitter. Criteria: Ambry Variant Classification Scheme 2023. Collection method: clinical testing. Allele origin: germline.